The following is an entry in ClinVar:

NM_001382.4(DPAGT1):c.161+6C>T

Genes: DPAGT1 (dolichyl-phosphate N-acetylglucosaminephosphotransferase 1; minus strand), LOC126861360 (BRD4-independent group 4 enhancer GRCh37_chr11:118972216-118973415; plus strand). Cytogenetic location: 11q23.3.
Variant type: single nucleotide variant.
Coding change: c.161+6C>T on transcript NM_001382.4 (MANE Select); 6 bases into the intron after coding-DNA position 161, C replaced by T.
Molecular consequence: intron variant.
Genome position (GRCh38, 1-based): chr11:119,101,489, G>A on the plus strand (C>T on the coding strand, the complement: DPAGT1 is on the minus strand). VCF-style: chr11-119101489-G-A. GRCh37 (hg19) VCF-style: chr11-118972199-G-A.
Identifiers: ClinVar variation 540463 (VCV000540463.5), dbSNP rs762402071, ClinGen allele CA6314717.

ClinVar aggregate classification (germline): Uncertain significance. Review status: criteria provided, multiple submitters, no conflicts (2 of 4 stars). 2 submissions from 2 submitters: Uncertain significance (2). Last evaluated 2022-08-01.

Conditions:
DPAGT1-congenital disorder of glycosylation. Also called: CONGENITAL DISORDER OF GLYCOSYLATION, TYPE Ij; CDG Ij; DPAGT1-CDG. Identifiers: Orphanet 86309, MedGen C2931004, MONDO:0011964, OMIM 608093.
Congenital myasthenic syndrome 13 (CMS13). Also called: Myasthenic syndrome, congenital, 13, with tubular aggregates; Myasthenic syndrome, congenital, with tubular aggregates 2. Identifiers: Orphanet 353327, Orphanet 590, MedGen C3553645, MONDO:0013883, OMIM 614750.
Inborn genetic diseases. Identifiers: MedGen C0950123, MeSH D030342.

Allele frequency attached by ClinVar (database versions not stated): gnomAD 0.00001; TOPMed 0.00002; ExAC 0.00004; gnomAD exomes 0.00004.
gnomAD v4.1: 14 of 1,613,904 alleles (0.00087%); highest among the groups gnomAD compares: Admixed American, 0.023%; no homozygotes.

Submissions (2):

Labcorp Genetics (formerly Invitae), Labcorp
Classification: Uncertain significance for Congenital myasthenic syndrome 13; DPAGT1-congenital disorder of glycosylation. Last evaluated: 2022-08-01. Review status: criteria provided, single submitter. Criteria: Invitae Variant Classification Sherloc (09022015). Collection method: clinical testing. Allele origin: germline.
Comment: This sequence change falls in intron 1 of the DPAGT1 gene. It does not directly change the encoded amino acid sequence of the DPAGT1 protein. It affects a nucleotide within the consensus splice site. This variant is present in population databases (rs762402071, gnomAD 0.03%). This variant has not been reported in the literature in individuals affected with DPAGT1-related conditions. ClinVar contains an entry for this variant (Variation ID: 540463). Variants that disrupt the consensus splice site are a relatively common cause of aberrant splicing (PMID: 17576681, 9536098). Algorithms developed to predict the effect of sequence changes on RNA splicing suggest that this variant is not likely to affect RNA splicing. In summary, the available evidence is currently insufficient to determine the role of this variant in disease. Therefore, it has been classified as a Variant of Uncertain Significance.

Ambry Genetics
Classification: Uncertain significance for Inborn genetic diseases. Last evaluated: 2021-04-07. Review status: criteria provided, single submitter. Criteria: Ambry Variant Classification Scheme 2023. Collection method: clinical testing. Allele origin: germline.
Comment: The c.161+6C>T intronic alteration consists of a C to T substitution nucleotides after coding exon 1 in the DPAGT1 gene. Based on insufficient or conflicting evidence, the clinical significance of this alteration remains unclear.

Literature cited by the submitters: PubMed 17576681 (cited by Labcorp Genetics (formerly Invitae), Labcorp); PubMed 9536098 (cited by Labcorp Genetics (formerly Invitae), Labcorp).